The following is an entry in ClinVar:

NM_000098.3(CPT2):c.1116C>T (p.His372=)

Gene: CPT2 (carnitine palmitoyltransferase 2; plus strand). Cytogenetic location: 1p32.3.
Variant type: single nucleotide variant.
Coding change: c.1116C>T on transcript NM_000098.3 (MANE Select); coding-DNA position 1116, C replaced by T.
Protein change: p.His372=; no amino-acid change (histidine 372 retained).
Molecular consequence: synonymous variant.
Genome position (GRCh38, 1-based): chr1:53,210,790, C>T. VCF-style: chr1-53210790-C-T. GRCh37 (hg19) VCF-style: chr1-53676462-C-T.
Other names: c.1116C>T, p.His372= (NM_001330589.2).
Identifiers: ClinVar variation 1144233 (VCV001144233.13), dbSNP rs761347926, ClinGen allele CA859129.

ClinVar aggregate classification (germline): Likely benign. Review status: criteria provided, multiple submitters, no conflicts (2 of 4 stars). 2 submissions from 2 submitters: Likely benign (2). Last evaluated 2025-11-01.

Conditions:
Carnitine palmitoyltransferase II deficiency. Also called: Carnitine Palmitoyltransferase 2 Deficiency. Identifiers: Orphanet 157, MedGen C0342790, MONDO:0015515.

Allele frequency attached by ClinVar (database versions not stated): gnomAD exomes 0.00001; ExAC 0.00002.
gnomAD v4.1: 15 of 1,614,202 alleles (0.00093%); highest among the groups gnomAD compares: East Asian, 0.013%; no homozygotes.

Submissions (2):

CeGaT Center for Human Genetics Tuebingen
Classification: Likely benign. Last evaluated: 2025-11-01. Review status: criteria provided, single submitter. Criteria: CeGaT Center For Human Genetics Tuebingen Variant Classification Criteria Version 2. Collection method: clinical testing. Allele origin: germline. Affected: yes. Observed: 1 variant allele.
Comment: CPT2: BP4, BP7

Labcorp Genetics (formerly Invitae), Labcorp
Classification: Likely benign for Carnitine palmitoyltransferase II deficiency. Last evaluated: 2024-12-25. Review status: criteria provided, single submitter. Criteria: Invitae Variant Classification Sherloc (09022015). Collection method: clinical testing. Allele origin: germline.